The following is an entry in ClinVar:

NM_000257.4(MYH7):c.1015C>A (p.Leu339Met)

Gene: MYH7 (myosin heavy chain 7; minus strand). Cytogenetic location: 14q11.2.
Variant type: single nucleotide variant.
Coding change: c.1015C>A on transcript NM_000257.4 (MANE Select); coding-DNA position 1015, C replaced by A.
Protein change: p.Leu339Met; replaces leucine 339 with methionine.
Molecular consequence: missense variant.
Genome position (GRCh38, 1-based): chr14:23,429,898, G>T on the plus strand (C>A on the coding strand, the complement: MYH7 is on the minus strand). VCF-style: chr14-23429898-G-T. GRCh37 (hg19) VCF-style: chr14-23899107-G-T.
Other names: c.1015C>A, p.Leu339Met (NM_001407004.1); short protein forms L339M.
Identifiers: ClinVar variation 2820623 (VCV002820623.3), dbSNP rs2502305773, ClinGen allele CA389051543.

ClinVar aggregate classification (germline): Uncertain significance (1 of 4 stars; one submission).

Conditions:
Hypertrophic cardiomyopathy. Also called: HYPERTROPHIC MYOCARDIOPATHY. Identifiers: Orphanet 217569, MedGen C0007194, MeSH D002312, MONDO:0005045, HP:0001639.

Submission:

Labcorp Genetics (formerly Invitae), Labcorp
Classification: Uncertain significance for Hypertrophic cardiomyopathy. Last evaluated: 2022-12-13. Review status: criteria provided, single submitter. Criteria: Invitae Variant Classification Sherloc (09022015). Collection method: clinical testing. Allele origin: germline.
Comment: In summary, the available evidence is currently insufficient to determine the role of this variant in disease. Therefore, it has been classified as a Variant of Uncertain Significance. Advanced modeling of protein sequence and biophysical properties (such as structural, functional, and spatial information, amino acid conservation, physicochemical variation, residue mobility, and thermodynamic stability) performed at Invitae indicates that this missense variant is expected to disrupt MYH7 protein function. This variant has not been reported in the literature in individuals affected with MYH7-related conditions. This variant is not present in population databases (gnomAD no frequency). This sequence change replaces leucine, which is neutral and non-polar, with methionine, which is neutral and non-polar, at codon 339 of the MYH7 protein (p.Leu339Met).